The following is an entry in ClinVar:

NM_004972.4(JAK2):c.1641+6T>C

Genes: INSL6 (insulin like 6; minus strand), JAK2 (Janus kinase 2; plus strand). Cytogenetic location: 9p24.1.
Variant type: single nucleotide variant.
Coding change: c.1641+6T>C on transcript NM_004972.4 (MANE Select); 6 bases into the intron after coding-DNA position 1641, T replaced by C.
Molecular consequence: intron variant.
Genome position (GRCh38, 1-based): chr9:5,070,058, T>C. VCF-style: chr9-5070058-T-C. GRCh37 (hg19) VCF-style: chr9-5070058-T-C.
Other names: c.1641+6T>C (NM_001322194.2, NM_001322195.2, NM_001322196.2); c.426+6T>C (NM_001322198.2, NM_001322199.2); c.1194+6T>C (NM_001322204.2).
Identifiers: ClinVar variation 1028834 (VCV001028834.31), dbSNP rs182123615, ClinGen allele CA4971912.

ClinVar aggregate classification (germline): Conflicting classifications of pathogenicity. Review status: criteria provided, conflicting classifications (1 of 4 stars). 6 submissions from 6 submitters: Uncertain significance (2); Likely benign (3). 1 of the submissions does not count toward it. Last evaluated 2026-04-01.

Conditions:
JAK2-related disorder. Also called: JAK2-related condition.
Acquired polycythemia vera. Also called: Suspected polycythemia vera; Polycythemia vera, somatic; POLYCYTHEMIA RUBRA VERA. Identifiers: Orphanet 729, MedGen C0032463, MeSH D011087, MONDO:0009891, OMIM 263300.
Primary familial polycythemia due to EPO receptor mutation. Also called: ERYTHROCYTOSIS, SOMATIC; Erythrocytosis, familial, 1; Primary Familial Congenital Polycythemia; POLYCYTHEMIA, PRIMARY FAMILIAL AND CONGENITAL. Identifiers: Orphanet 90042, MedGen C4551637, MONDO:0007572, OMIM 133100.
Budd-Chiari syndrome (BDCHS). Also called: Hepatic vein obstruction. Identifiers: Orphanet 131, MedGen C0856761, MONDO:0010947, OMIM 600880, HP:0002639.
Acute myeloid leukemia (AML). Also called: Leukemia, acute myeloid, somatic; Leukemia, acute myelogenous, somatic; Acute myeloid leukemia, adult; AML adult; Acute non-lymphocytic leukemia; Acute granulocytic leukemia. Identifiers: Orphanet 519, MedGen C0023467, MeSH D015470, MONDO:0018874, OMIM 601626, HP:0004808. Disease mechanism: Constitutively activated FLT3.
Thrombocythemia 3 (THCYT3). Also called: THROMBOCYTHEMIA 3, SOMATIC; THROMBOCYTOSIS 3. Identifiers: MedGen C3281125, MONDO:0013794, OMIM 614521.
Primary myelofibrosis. Also called: Myelofibrosis, somatic. Identifiers: Orphanet 824, MedGen C0001815, MeSH D055728, MONDO:0009692, OMIM 254450.

Allele frequency attached by ClinVar (database versions not stated): gnomAD exomes 0.00036; ExAC 0.00042; ESP Exome Variant Server 0.00085; 1000 Genomes Project 30x 0.00094; 1000 Genomes Project 0.00100; gnomAD 0.00103 and 0.00109; TOPMed 0.00163.
gnomAD v4.1: 571 of 1,592,926 alleles (0.036%); highest among the groups gnomAD compares: Admixed American, 0.21%; 1 homozygote.

Submissions (6):

CeGaT Center for Human Genetics Tuebingen
Classification: Likely benign. Last evaluated: 2026-04-01. Review status: criteria provided, single submitter. Criteria: CeGaT Center For Human Genetics Tuebingen Variant Classification Criteria Version 2. Collection method: clinical testing. Allele origin: germline. Affected: yes. Observed: 2 variant alleles.
Comment: JAK2: BP4, BS1

Labcorp Genetics (formerly Invitae), Labcorp
Classification: Likely benign. Last evaluated: 2026-01-21. Review status: criteria provided, single submitter. Criteria: Invitae Variant Classification Sherloc (09022015). Collection method: clinical testing. Allele origin: germline.

ARUP Laboratories, Molecular Genetics and Genomics, ARUP Laboratories
Classification: Likely benign. Last evaluated: 2024-11-05. Review status: criteria provided, single submitter. Criteria: ARUP Molecular Germline Variant Investigation Process 2024. Collection method: clinical testing. Allele origin: germline.

Fulgent Genetics
Classification: Uncertain significance for Primary familial polycythemia due to EPO receptor mutation; Primary myelofibrosis; Acquired polycythemia vera; Budd-Chiari syndrome; Acute myeloid leukemia; Thrombocythemia 3. Last evaluated: 2021-12-28. Review status: criteria provided, single submitter. Criteria: ACMG Guidelines, 2015. Collection method: clinical testing. Allele origin: unknown.

Baylor Genetics
Classification: Uncertain significance for Acquired polycythemia vera. Last evaluated: 2020-10-23. Review status: criteria provided, single submitter. Criteria: ACMG Guidelines, 2015. Collection method: clinical testing. Allele origin: unknown. Affected: yes.
Comment: This variant was determined to be of uncertain significance according to ACMG Guidelines, 2015 [PMID:25741868].

PreventionGenetics, part of Exact Sciences
Classification: Likely benign for JAK2-related condition. Last evaluated: 2023-08-15. Review status: no assertion criteria provided. Collection method: clinical testing. Allele origin: germline. Not counted in ClinVar's aggregate classification.
Comment: This variant is classified as likely benign based on ACMG/AMP sequence variant interpretation guidelines (Richards et al. 2015 PMID: 25741868, with internal and published modifications).